The following is an entry in ClinVar:

ClinVar aggregate classification (germline): Likely benign. Review status: criteria provided, single submitter (1 of 4 stars). 2 submissions from 2 submitters: Likely benign (1). 1 of the submissions does not count toward it. Last evaluated 2025-08-25.

Conditions:
Glycogen storage disease IXd (GSD9D). Also called: GSD IXd; Muscle Phosphorylase Kinase Deficiency. Identifiers: Orphanet 715, MedGen C1845151, MONDO:0010362, OMIM 300559.
PHKA1-related disorder. Also called: PHKA1-related condition.

Allele frequency attached by ClinVar (database versions not stated): gnomAD exomes 0.00004; ExAC 0.00007; gnomAD 0.00009; TOPMed 0.00013.
gnomAD v4.1: 53 of 1,198,583 alleles (0.0044%); highest among the groups gnomAD compares: African/African-American, 0.014%; no homozygotes.

Submissions (2):

Labcorp Genetics (formerly Invitae), Labcorp
Classification: Likely benign for Glycogen storage disease IXd. Last evaluated: 2025-08-25. Review status: criteria provided, single submitter. Criteria: Invitae Variant Classification Sherloc (09022015). Collection method: clinical testing. Allele origin: germline.

PreventionGenetics, part of Exact Sciences
Classification: Likely benign for PHKA1-related condition. Last evaluated: 2021-05-12. Review status: no assertion criteria provided. Collection method: clinical testing. Allele origin: germline. Not counted in ClinVar's aggregate classification.
Comment: This variant is classified as likely benign based on ACMG/AMP sequence variant interpretation guidelines (Richards et al. 2015 PMID: 25741868, with internal and published modifications).

NM_002637.4(PHKA1):c.543C>T (p.Phe181=)

Gene: PHKA1 (phosphorylase kinase regulatory subunit alpha 1; minus strand). Cytogenetic location: Xq13.1.
Variant type: single nucleotide variant.
Coding change: c.543C>T on transcript NM_002637.4 (MANE Select); coding-DNA position 543, C replaced by T.
Protein change: p.Phe181=; no amino-acid change (phenylalanine 181 retained).
Molecular consequence: synonymous variant.
Genome position (GRCh38, 1-based): chrX:72,676,145, G>A on the plus strand (C>T on the coding strand, the complement: PHKA1 is on the minus strand). VCF-style: chrX-72676145-G-A. GRCh37 (hg19) VCF-style: chrX-71895995-G-A.
Other names: c.543C>T, p.Phe181= (NM_001122670.2, NM_001172436.2); c.543C>T (NM_002637.3).
Identifiers: ClinVar variation 2039042 (VCV002039042.6), dbSNP rs781909169, ClinGen allele CA10451039.